The following is an entry in ClinVar:

NM_144772.3(NAXE):c.25G>C (p.Gly9Arg)

Gene: NAXE (NAD(P)HX epimerase; plus strand). Cytogenetic location: 1q22.
Variant type: single nucleotide variant.
Coding change: c.25G>C on transcript NM_144772.3 (MANE Select); coding-DNA position 25, G replaced by C.
Protein change: p.Gly9Arg; replaces glycine 9 with arginine.
Molecular consequence: missense variant.
Genome position (GRCh38, 1-based): chr1:156,591,829, G>C. VCF-style: chr1-156591829-G-C. GRCh37 (hg19) VCF-style: chr1-156561621-G-C.
Other names: short protein forms G9R.
Identifiers: ClinVar variation 5020171 (VCV005020171.1).
Genomic context (GRCh38, chr1:156,591,829, plus strand): 5'-CCGGGCCGGGCCGGGGGCGCGCGCTCTGCGAGCTGGATGTCCAGGCTGCGGGCGCTGCTG[G>C]GCCTCGGGCTGCTGGTTGCGGGCTCGCGCGTGCCGCGGATCAAAAGCCAGACCATCGCCT-3'
Protein context (NP_658985.2, residues 1-19): MSRLRALL[Gly9Arg]LGLLVAGSRV

ClinVar aggregate classification (germline): Uncertain significance (1 of 4 stars; one submission).

Submission:

Dasa
Classification: Uncertain significance. Last evaluated: 2026-07-20. Review status: criteria provided, single submitter. Criteria: DASA Assertion Criteria. Collection method: clinical testing. Allele origin: germline.
Comment: NM_144772.3(NAXE):c.25G>C (p.Gly9Arg) is a missense variant that results in the substitution of glycine with arginine. This variant is rare in population databases. The currently available literature and clinical evidence are not sufficient to establish a definitive association between this variant and the reported condition. Therefore, this variant is classified as a variant of uncertain significance.